The following is an entry in ClinVar:

ClinVar aggregate classification (germline): Uncertain significance. Review status: criteria provided, multiple submitters, no conflicts (2 of 4 stars). 4 submissions from 4 submitters: Uncertain significance (4). Last evaluated 2026-01-17.

Conditions:
DNAH9-related disorder. Also called: DNAH9-related condition.
Inborn genetic diseases. Identifiers: MedGen C0950123, MeSH D030342.

Allele frequency attached by ClinVar (database versions not stated): gnomAD exomes 0.00004 and 0.00008; ExAC 0.00008; ESP Exome Variant Server 0.00023; 1000 Genomes Project 30x 0.00031; 1000 Genomes Project 0.00040; gnomAD 0.00046 and 0.00051; TOPMed 0.00050.
gnomAD v4.1: 129 of 1,614,110 alleles (0.008%); highest among the groups gnomAD compares: African/African-American, 0.15%; no homozygotes.

Submissions (4):

Labcorp Genetics (formerly Invitae), Labcorp
Classification: Uncertain significance. Last evaluated: 2026-01-17. Review status: criteria provided, single submitter. Criteria: Invitae Variant Classification Sherloc (09022015). Collection method: clinical testing. Allele origin: germline.
Comment: This sequence change replaces phenylalanine, which is neutral and non-polar, with cysteine, which is neutral and slightly polar, at codon 486 of the DNAH9 protein (p.Phe486Cys). This variant is present in population databases (rs369047155, gnomAD 0.1%). This variant has not been reported in the literature in individuals affected with DNAH9-related conditions. ClinVar contains an entry for this variant (Variation ID: 1365225). Invitae Evidence Modeling of protein sequence and biophysical properties (such as structural, functional, and spatial information, amino acid conservation, physicochemical variation, residue mobility, and thermodynamic stability) indicates that this missense variant is not expected to disrupt DNAH9 protein function with a negative predictive value of 80%. In summary, the available evidence is currently insufficient to determine the role of this variant in disease. Therefore, it has been classified as a Variant of Uncertain Significance.

Blueprint Genetics
Classification: Uncertain significance. Last evaluated: 2024-11-13. Review status: criteria provided, single submitter. Criteria: ACMG Guidelines, 2015. Collection method: clinical testing. Allele origin: germline.

Ambry Genetics
Classification: Uncertain significance for Inborn genetic diseases. Last evaluated: 2024-05-01. Review status: criteria provided, single submitter. Criteria: Ambry Variant Classification Scheme 2023. Collection method: clinical testing. Allele origin: germline.

PreventionGenetics, part of Exact Sciences
Classification: Uncertain significance for DNAH9-related condition. Last evaluated: 2023-06-08. Review status: criteria provided, single submitter. Criteria: ACMG Guidelines, 2015. Collection method: clinical testing. Allele origin: germline.
Comment: The DNAH9 c.1457T>G variant is predicted to result in the amino acid substitution p.Phe486Cys. To our knowledge, this variant has not been reported in the literature. This variant is reported in 0.14% of alleles in individuals of African descent in gnomAD. Although we suspect that this variant may be benign, at this time, the clinical significance of this variant is uncertain due to the absence of conclusive functional and genetic evidence.

NM_001372.4(DNAH9):c.1457T>G (p.Phe486Cys)

Gene: DNAH9 (dynein axonemal heavy chain 9; plus strand). Cytogenetic location: 17p12.
Variant type: single nucleotide variant.
Coding change: c.1457T>G on transcript NM_001372.4 (MANE Select); coding-DNA position 1457, T replaced by G.
Protein change: p.Phe486Cys; replaces phenylalanine 486 with cysteine.
Molecular consequence: missense variant.
Genome position (GRCh38, 1-based): chr17:11,629,523, T>G. VCF-style: chr17-11629523-T-G. GRCh37 (hg19) VCF-style: chr17-11532840-T-G.
Other names: c.1457T>G (NM_001372.3); short protein forms F486C.
Identifiers: ClinVar variation 1365225 (VCV001365225.10), dbSNP rs369047155, ClinGen allele CA8394853.